The following is an entry in ClinVar:

NM_001287.6(CLCN7):c.584C>T (p.Ala195Val)

Gene: CLCN7 (chloride voltage-gated channel 7; minus strand). Cytogenetic location: 16p13.3.
Variant type: single nucleotide variant.
Coding change: c.584C>T on transcript NM_001287.6 (MANE Select); coding-DNA position 584, C replaced by T.
Protein change: p.Ala195Val; replaces alanine 195 with valine.
Molecular consequence: missense variant.
Genome position (GRCh38, 1-based): chr16:1,460,428, G>A on the plus strand (C>T on the coding strand, the complement: CLCN7 is on the minus strand). VCF-style: chr16-1460428-G-A. GRCh37 (hg19) VCF-style: chr16-1510429-G-A.
Other names: c.512C>T, p.Ala171Val (NM_001114331.3); short protein forms A171V, A195V.
Identifiers: ClinVar variation 2819349 (VCV002819349.3), dbSNP rs2505843906, ClinGen allele CA394192061.
Genomic context (GRCh38, chr16:1,460,428, plus strand): 5'-CCCCCAATCCTTCATGGGGTCCGCCATAGCTGCGGCATCCTGCCACCCACCTCTATGAAA[G>A]CCACAATCACAGAGCCCACGAGCACGAAGGCGGCGTTCAGCGTGGCCCACAGCAACAGGG-3'
Protein context (NP_001278.1, residues 185-205): AFVLVGSVIV[Ala195Val]FIEPVAAGSG

ClinVar aggregate classification (germline): Uncertain significance (1 of 4 stars; one submission).

Submission:

Labcorp Genetics (formerly Invitae), Labcorp
Classification: Uncertain significance. Last evaluated: 2022-12-08. Review status: criteria provided, single submitter. Criteria: Invitae Variant Classification Sherloc (09022015). Collection method: clinical testing. Allele origin: germline.
Comment: This sequence change replaces alanine, which is neutral and non-polar, with valine, which is neutral and non-polar, at codon 195 of the CLCN7 protein (p.Ala195Val). In summary, the available evidence is currently insufficient to determine the role of this variant in disease. Therefore, it has been classified as a Variant of Uncertain Significance. Advanced modeling of protein sequence and biophysical properties (such as structural, functional, and spatial information, amino acid conservation, physicochemical variation, residue mobility, and thermodynamic stability) performed at Invitae indicates that this missense variant is not expected to disrupt CLCN7 protein function. This variant has not been reported in the literature in individuals affected with CLCN7-related conditions. This variant is not present in population databases (gnomAD no frequency).